The following is an entry in ClinVar:

NM_003738.5(PTCH2):c.763C>G (p.Pro255Ala)

Gene: PTCH2 (patched 2; minus strand). Cytogenetic location: 1p34.1.
Variant type: single nucleotide variant.
Coding change: c.763C>G on transcript NM_003738.5 (MANE Select); coding-DNA position 763, C replaced by G.
Protein change: p.Pro255Ala; replaces proline 255 with alanine.
Molecular consequence: missense variant.
Genome position (GRCh38, 1-based): chr1:44,830,898, G>C on the plus strand (C>G on the coding strand, the complement: PTCH2 is on the minus strand). VCF-style: chr1-44830898-G-C. GRCh37 (hg19) VCF-style: chr1-45296570-G-C.
Other names: c.763C>G (NM_003738.4); c.763C>G, p.Pro255Ala (NM_001166292.2); short protein forms P255A.
Identifiers: ClinVar variation 1404616 (VCV001404616.8), dbSNP rs200618779, ClinGen allele CA823534.

ClinVar aggregate classification (germline): Uncertain significance. Review status: criteria provided, multiple submitters, no conflicts (2 of 4 stars). 2 submissions from 2 submitters: Uncertain significance (2). Last evaluated 2024-04-29.

Conditions:
Gorlin syndrome. Also called: Nevoid Basal Cell Carcinoma Syndrome; Basal cell nevus syndrome. Identifiers: Orphanet 377, MedGen C0004779, MONDO:0007187.

Allele frequency attached by ClinVar (database versions not stated): ExAC 0.00001; gnomAD 0.00001; gnomAD exomes 0.00001; TOPMed 0.00001; 1000 Genomes Project 30x 0.00016; 1000 Genomes Project 0.00020.
gnomAD v4.1: 22 of 1,578,308 alleles (0.0014%); highest among the groups gnomAD compares: African/African-American, 0.02%; no homozygotes.

Submissions (2):

Labcorp Genetics (formerly Invitae), Labcorp
Classification: Uncertain significance for Gorlin syndrome. Last evaluated: 2024-04-29. Review status: criteria provided, single submitter. Criteria: Invitae Variant Classification Sherloc (09022015). Collection method: clinical testing. Allele origin: germline.
Comment: This sequence change replaces proline, which is neutral and non-polar, with alanine, which is neutral and non-polar, at codon 255 of the PTCH2 protein (p.Pro255Ala). This variant is present in population databases (rs200618779, gnomAD no frequency). This variant has not been reported in the literature in individuals affected with PTCH2-related conditions. ClinVar contains an entry for this variant (Variation ID: 1404616). Advanced modeling of protein sequence and biophysical properties (such as structural, functional, and spatial information, amino acid conservation, physicochemical variation, residue mobility, and thermodynamic stability) has been performed at Invitae for this missense variant, however the output from this modeling did not meet the statistical confidence thresholds required to predict the impact of this variant on PTCH2 protein function. In summary, the available evidence is currently insufficient to determine the role of this variant in disease. Therefore, it has been classified as a Variant of Uncertain Significance.

Ambry Genetics
Classification: Uncertain significance. Last evaluated: 2021-08-30. Review status: criteria provided, single submitter. Criteria: Ambry Variant Classification Scheme 2023. Collection method: clinical testing. Allele origin: germline.